The following is an entry in ClinVar:

NM_002397.5(MEF2C):c.258+3G>A

Gene: MEF2C (myocyte enhancer factor 2C; minus strand). Cytogenetic location: 5q14.3.
Variant type: single nucleotide variant.
Coding change: c.258+3G>A on transcript NM_002397.5 (MANE Select); 3 bases into the intron after coding-DNA position 258, G replaced by A.
Molecular consequence: intron variant.
Genome position (GRCh38, 1-based): chr5:88,804,595, C>T on the plus strand (G>A on the coding strand, the complement: MEF2C is on the minus strand). VCF-style: chr5-88804595-C-T. GRCh37 (hg19) VCF-style: chr5-88100412-C-T.
Other names: c.258+3G>A (NM_001364329.2, NM_001364330.2, NM_001364333.2 and 29 more transcripts).
Identifiers: ClinVar variation 2043703 (VCV002043703.4), dbSNP rs756853772, ClinGen allele CA3337365.

ClinVar aggregate classification (germline): Uncertain significance (1 of 4 stars; one submission).

Conditions:
Neurodevelopmental disorder with hypotonia, stereotypic hand movements, and impaired language. Also called: Intellectual disability, autosomal dominant 20. Identifiers: Orphanet 228384, Orphanet 664410, MedGen C3150700, MONDO:0013266, OMIM 613443.

Allele frequency attached by ClinVar (database versions not stated): ExAC 0.00001; gnomAD exomes below 0.00001.
gnomAD v4.1: 1 of 1,613,594 alleles (0.000062%); highest among the groups gnomAD compares: South Asian, 0.0011%; no homozygotes.

Submission:

Labcorp Genetics (formerly Invitae), Labcorp
Classification: Uncertain significance for Neurodevelopmental disorder with hypotonia, stereotypic hand movements, and impaired language. Last evaluated: 2025-11-17. Review status: criteria provided, single submitter. Criteria: Invitae Variant Classification Sherloc (09022015). Collection method: clinical testing. Allele origin: germline.
Comment: This sequence change falls in intron 3 of the MEF2C gene. It does not directly change the encoded amino acid sequence of the MEF2C protein. It affects a nucleotide within the consensus splice site. This variant is present in population databases (rs756853772, gnomAD 0.003%). This variant has not been reported in the literature in individuals affected with MEF2C-related conditions. ClinVar contains an entry for this variant (Variation ID: 2043703). Variants that disrupt the consensus splice site are a relatively common cause of aberrant splicing (PMID: 17576681, 9536098). Algorithms developed to predict the effect of sequence changes on RNA splicing suggest that this variant is not likely to affect RNA splicing. In summary, the available evidence is currently insufficient to determine the role of this variant in disease. Therefore, it has been classified as a Variant of Uncertain Significance.

Literature cited by the submitters: PubMed 17576681; PubMed 9536098.